The following is an entry in ClinVar:

NM_000179.3(MSH6):c.4071_4074dup (p.Glu1359Ter)

Gene: MSH6 (mutS homolog 6; plus strand). Cytogenetic location: 2p16.3.
Variant type: Duplication.
Coding change: c.4071_4074dup on transcript NM_000179.3 (MANE Select); coding-DNA positions 4071 to 4074, 4 bases duplicated (TAAG; older notation c.4071_4074dupTAAG).
Protein change: p.Glu1359Ter; replaces glutamic acid 1359 with a stop codon.
Molecular consequence: nonsense.
Genome position (GRCh38, 1-based): chr2:47,806,848-47,806,851, TAAG duplicated. VCF-style (leftmost placement, unchanged base first): chr2-47806847-T-TTAAG. GRCh37 (hg19) VCF-style: chr2-48033986-T-TTAAG.
Other names: c.3681_3684dup, p.Glu1229Ter (NM_001281492.2); c.3165_3168dup, p.Glu1057Ter (NM_001281493.2, NM_001281494.2); short protein forms E1057*, E1359*, E1229*.
Identifiers: ClinVar variation 41595 (VCV000041595.2), dbSNP rs386833407, ClinGen allele CA015459.

ClinVar aggregate classification (germline): Uncertain significance (0 of 4 stars; one submission).

Submission:

Biesecker Lab/Clinical Genomics Section, National Institutes of Health
Classification: Uncertain significance. Last evaluated: 2012-07-13. Review status: no assertion criteria provided. Collection method: research. Allele origin: germline. Affected: no. Observed: 1 variant allele. Study: ClinSeq.
ClinVar note: Converted during submission from variant of unknown significance to Uncertain significance.